The following is an entry in ClinVar:

ClinVar aggregate classification (germline): Uncertain significance (1 of 4 stars; one submission).

Conditions:
Inborn genetic diseases. Identifiers: MedGen C0950123, MeSH D030342.

Submission:

Ambry Genetics
Classification: Uncertain significance for Inborn genetic diseases. Last evaluated: 2025-09-23. Review status: criteria provided, single submitter. Criteria: Ambry Variant Classification Scheme 2023. Collection method: clinical testing. Allele origin: germline.
Comment: The c.359_373+60del75 variant results from a deletion of 75 nucleotides between positions c.359 and c.373+60 and involves the canonical splice donor site after coding exon 4 of the DDX41 gene. The canonical splice donor site is highly conserved in available vertebrate species. Alterations that disrupt the canonical splice site are expected to cause aberrant splicing; however the resulting transcript is predicted to be in-frame and is not expected to trigger nonsense-mediated mRNAdecay. The exact functional effect of the missing amino acids is unknown. Based on the available evidence, the clinical significance of this alteration remains unclear.

NM_016222.4(DDX41):c.359_373+60del

Gene: DDX41 (DEAD-box helicase 41; minus strand). Cytogenetic location: 5q35.3.
Variant type: Deletion.
Coding change: c.359_373+60del on transcript NM_016222.4 (MANE Select); coding-DNA position 359 through 60 bases into the intron after coding-DNA position 373, 75 bases deleted.
Molecular consequence: splice donor variant.
Genome position (GRCh38, 1-based): chr5:177,516,059-177,516,133, 75 bases deleted. GRCh37 (hg19): chr5:176,943,060-176,943,134.
Other names: c.-20_-6+60del (NM_001321830.2, NM_001321732.2).
Identifiers: ClinVar variation 4617117 (VCV004617117.1).